The following is an entry in ClinVar:

ClinVar aggregate classification (germline): Uncertain significance. Review status: criteria provided, multiple submitters, no conflicts (2 of 4 stars). 3 submissions from 3 submitters: Uncertain significance (3). Last evaluated 2024-06-03.

Conditions:
Autosomal recessive polycystic kidney disease (ARPKD). Also called: AR polycystic kidney disease. Identifiers: Orphanet 731, Orphanet 8378, MedGen C0085548, MeSH D017044, MONDO:0009889.
Polycystic kidney disease 4 (PKD4). Also called: POLYCYSTIC KIDNEY DISEASE 4 WITH OR WITHOUT POLYCYSTIC LIVER DISEASE; POLYCYSTIC KIDNEY AND HEPATIC DISEASE 1; POLYCYSTIC KIDNEY DISEASE, INFANTILE, TYPE I; Autosomal Recessive Polycystic Kidney Disease – PKHD1; PKD3. Identifiers: MedGen C4540575, MONDO:0033004, OMIM 263200.

Allele frequency attached by ClinVar (database versions not stated): gnomAD exomes 0.00004 and 0.00006; ExAC 0.00005; gnomAD 0.00001 and 0.00003; TOPMed 0.00002.
gnomAD v4.1: 59 of 1,614,074 alleles (0.0037%); highest among the groups gnomAD compares: South Asian, 0.048%; no homozygotes.

Submissions (3):

Labcorp Genetics (formerly Invitae), Labcorp
Classification: Uncertain significance for Autosomal recessive polycystic kidney disease. Last evaluated: 2024-06-03. Review status: criteria provided, single submitter. Criteria: Invitae Variant Classification Sherloc (09022015). Collection method: clinical testing. Allele origin: germline.
Comment: This sequence change replaces arginine, which is basic and polar, with cysteine, which is neutral and slightly polar, at codon 793 of the PKHD1 protein (p.Arg793Cys). This variant is present in population databases (rs779653146, gnomAD 0.05%). This variant has not been reported in the literature in individuals affected with PKHD1-related conditions. ClinVar contains an entry for this variant (Variation ID: 1030195). Advanced modeling of protein sequence and biophysical properties (such as structural, functional, and spatial information, amino acid conservation, physicochemical variation, residue mobility, and thermodynamic stability) performed at Invitae indicates that this missense variant is not expected to disrupt PKHD1 protein function with a negative predictive value of 95%. In summary, the available evidence is currently insufficient to determine the role of this variant in disease. Therefore, it has been classified as a Variant of Uncertain Significance.

Fulgent Genetics
Classification: Uncertain significance for Polycystic kidney disease 4. Last evaluated: 2023-12-26. Review status: criteria provided, single submitter. Criteria: ACMG Guidelines, 2015. Collection method: clinical testing. Allele origin: germline.

Baylor Genetics
Classification: Uncertain significance for Polycystic kidney disease 4. Last evaluated: 2020-06-15. Review status: criteria provided, single submitter. Criteria: ACMG Guidelines, 2015. Collection method: clinical testing. Allele origin: unknown. Affected: yes.
Comment: This variant was determined to be of uncertain significance according to ACMG Guidelines, 2015 [PMID:25741868].

NM_138694.4(PKHD1):c.2377C>T (p.Arg793Cys)

Gene: PKHD1 (PKHD1 ciliary IPT domain containing fibrocystin/polyductin; minus strand). Cytogenetic location: 6p12.2.
Variant type: single nucleotide variant.
Coding change: c.2377C>T on transcript NM_138694.4 (MANE Select); coding-DNA position 2377, C replaced by T.
Protein change: p.Arg793Cys; replaces arginine 793 with cysteine.
Molecular consequence: missense variant.
Genome position (GRCh38, 1-based): chr6:52,048,522, G>A on the plus strand (C>T on the coding strand, the complement: PKHD1 is on the minus strand). VCF-style: chr6-52048522-G-A. GRCh37 (hg19) VCF-style: chr6-51913320-G-A.
Other names: c.2377C>T, p.Arg793Cys (NM_170724.3); short protein forms R793C.
Identifiers: ClinVar variation 1030195 (VCV001030195.9), dbSNP rs779653146, ClinGen allele CA3853239.